The following is an entry in ClinVar:

NM_000494.4(COL17A1):c.2478_2504del (p.Met829_Ala837del)

Gene: COL17A1 (collagen type XVII alpha 1 chain; minus strand). Cytogenetic location: 10q25.1.
Variant type: Deletion.
Coding change: c.2478_2504del on transcript NM_000494.4 (MANE Select); coding-DNA positions 2478 to 2504, 27 bases deleted (TGGAGCCATGGGACCCCCAGGACCTCC).
Protein change: p.Met829_Ala837del.
Molecular consequence: inframe deletion.
Genome position (GRCh38, 1-based): chr10:104,043,512-104,043,538, GGAGGTCCTGGGGGTCCCATGGCTCCA deleted on the plus strand (TGGAGCCATGGGACCCCCAGGACCTCC on the coding strand, the reverse complement: COL17A1 is on the minus strand); deleting any 27 consecutive bases within chr10:104,043,512-104,043,552 gives the same sequence; the c. name uses the placement nearest the transcript's 3' end. VCF-style (leftmost placement, unchanged base first): chr10-104043511-TGGAGGTCCTGGGGGTCCCATGGCTCCA-T. GRCh37 (hg19) VCF-style: chr10-105803269-TGGAGGTCCTGGGGGTCCCATGGCTCCA-T.
Other names: c.2478_2504delTGGAGCCATGGGACCCCCAGGACCTCC (NM_000494.3); c.2478_2504del, p.Met829_Ala837del (LRG_1249t1).
Identifiers: ClinVar variation 451883 (VCV000451883.8), dbSNP rs543835020, ClinGen allele CA5678447.

ClinVar aggregate classification (germline): Benign/Likely benign. Review status: criteria provided, multiple submitters, no conflicts (2 of 4 stars). 2 submissions from 2 submitters: Benign (1); Likely benign (1). Last evaluated 2026-01-26.

Submissions (2):

Labcorp Genetics (formerly Invitae), Labcorp
Classification: Benign. Last evaluated: 2026-01-26. Review status: criteria provided, single submitter. Criteria: Invitae Variant Classification Sherloc (09022015). Collection method: clinical testing. Allele origin: germline.

GeneDx
Classification: Likely benign. Last evaluated: 2017-12-22. Review status: criteria provided, single submitter. Criteria: GeneDx Variant Classification (06012015). Collection method: clinical testing. Allele origin: germline. Affected: yes.
Comment: This variant is considered likely benign or benign based on one or more of the following criteria: it is a conservative change, it occurs at a poorly conserved position in the protein, it is predicted to be benign by multiple in silico algorithms, and/or has population frequency not consistent with disease.